The following is an entry in ClinVar:

NM_000143.4(FH):c.29G>T (p.Arg10Leu)

Gene: FH (fumarate hydratase; minus strand). Cytogenetic location: 1q43.
Variant type: single nucleotide variant.
Coding change: c.29G>T on transcript NM_000143.4 (MANE Select); coding-DNA position 29, G replaced by T.
Protein change: p.Arg10Leu; replaces arginine 10 with leucine.
Molecular consequence: missense variant.
Genome position (GRCh38, 1-based): chr1:241,519,694, C>A on the plus strand (G>T on the coding strand, the complement: FH is on the minus strand). VCF-style: chr1-241519694-C-A. GRCh37 (hg19) VCF-style: chr1-241682994-C-A.
Other names: short protein forms R10L.
Identifiers: ClinVar variation 1798637 (VCV001798637.5), dbSNP rs1660323387, ClinGen allele CA345443032.

ClinVar aggregate classification (germline): Uncertain significance. Review status: criteria provided, multiple submitters, no conflicts (2 of 4 stars). 2 submissions from 2 submitters: Uncertain significance (2). Last evaluated 2025-09-12.

Conditions:
Hereditary cancer-predisposing syndrome. Also called: Neoplastic Syndromes, Hereditary; Tumor predisposition; Hereditary Cancer Syndrome; Hereditary neoplastic syndrome. Identifiers: Orphanet 140162, MedGen C0027672, MeSH D009386, MONDO:0015356.

Allele frequency attached by ClinVar (database versions not stated): TOPMed below 0.00001.

Submissions (2):

Ambry Genetics
Classification: Uncertain significance for Hereditary cancer-predisposing syndrome. Last evaluated: 2025-09-12. Review status: criteria provided, single submitter. Criteria: Ambry Variant Classification Scheme 2023. Collection method: clinical testing. Allele origin: germline.
Comment: The p.R10L variant (also known as c.29G>T), located in coding exon 1 of the FH gene, results from a G to T substitution at nucleotide position 29. The arginine at codon 10 is replaced by leucine, an amino acid with dissimilar properties. This amino acid position is highly conserved in available vertebrate species. In addition, the in silico prediction for this alteration is inconclusive. Since supporting evidence is limited at this time, the clinical significance of this alteration remains unclear.

Labcorp Genetics (formerly Invitae), Labcorp
Classification: Uncertain significance. Last evaluated: 2024-05-27. Review status: criteria provided, single submitter. Criteria: Invitae Variant Classification Sherloc (09022015). Collection method: clinical testing. Allele origin: germline.
Comment: This sequence change replaces arginine, which is basic and polar, with leucine, which is neutral and non-polar, at codon 10 of the FH protein (p.Arg10Leu). This variant is not present in population databases (gnomAD no frequency). This variant has not been reported in the literature in individuals affected with FH-related conditions. ClinVar contains an entry for this variant (Variation ID: 1798637). Advanced modeling of protein sequence and biophysical properties (such as structural, functional, and spatial information, amino acid conservation, physicochemical variation, residue mobility, and thermodynamic stability) performed at Invitae indicates that this missense variant is not expected to disrupt FH protein function with a negative predictive value of 95%. In summary, the available evidence is currently insufficient to determine the role of this variant in disease. Therefore, it has been classified as a Variant of Uncertain Significance.